The following is an entry in ClinVar:

NM_004048.4(B2M):c.20T>A (p.Leu7Ter)

Gene: B2M (beta-2-microglobulin; plus strand). Cytogenetic location: 15q21.1.
Variant type: single nucleotide variant.
Coding change: c.20T>A on transcript NM_004048.4 (MANE Select); coding-DNA position 20, T replaced by A.
Protein change: p.Leu7Ter; replaces leucine 7 with a stop codon.
Molecular consequence: nonsense.
Genome position (GRCh38, 1-based): chr15:44,711,566, T>A. VCF-style: chr15-44711566-T-A. GRCh37 (hg19) VCF-style: chr15-45003764-T-A.
Other names: short protein forms L7*.
Identifiers: ClinVar variation 2824511 (VCV002824511.3), dbSNP rs2086865732, ClinGen allele CA392232164.

ClinVar aggregate classification (germline): Pathogenic (1 of 4 stars; one submission).

Conditions:
Hypoproteinemia, hypercatabolic (IMD43). Also called: MHC CLASS I DEFICIENCY 4; IMMUNODEFICIENCY 43; BETA-2-MICROGLOBULIN DEFICIENCY; B2M DEFICIENCY. Identifiers: MedGen C1855796, MONDO:0009434, OMIM 241600.

Submission:

Labcorp Genetics (formerly Invitae), Labcorp
Classification: Pathogenic for Hypoproteinemia, hypercatabolic. Last evaluated: 2023-03-09. Review status: criteria provided, single submitter. Criteria: Invitae Variant Classification Sherloc (09022015). Collection method: clinical testing. Allele origin: germline.
Comment: This sequence change creates a premature translational stop signal (p.Leu7*) in the B2M gene. It is expected to result in an absent or disrupted protein product. Loss-of-function variants in B2M are known to be pathogenic (PMID: 25702838). This variant is not present in population databases (gnomAD no frequency). This variant has not been reported in the literature in individuals affected with B2M-related conditions. For these reasons, this variant has been classified as Pathogenic.

Literature cited by the submitters: PubMed 25702838.